The following is an entry in ClinVar:

NM_006767.4(LZTR1):c.409A>G (p.Thr137Ala)

Gene: LZTR1 (leucine zipper like post translational regulator 1; plus strand). Cytogenetic location: 22q11.21.
Variant type: single nucleotide variant.
Coding change: c.409A>G on transcript NM_006767.4 (MANE Select); coding-DNA position 409, A replaced by G.
Protein change: p.Thr137Ala; replaces threonine 137 with alanine.
Molecular consequence: missense variant.
Genome position (GRCh38, 1-based): chr22:20,988,018, A>G. VCF-style: chr22-20988018-A-G. GRCh37 (hg19) VCF-style: chr22-21342307-A-G.
Other names: short protein forms T137A.
Identifiers: ClinVar variation 4101859 (VCV004101859.1).

ClinVar aggregate classification (germline): Uncertain significance (1 of 4 stars; one submission).

Conditions:
Cardiovascular phenotype. Identifiers: MedGen CN230736.
Hereditary cancer-predisposing syndrome. Also called: Tumor predisposition; Neoplastic Syndromes, Hereditary; Hereditary neoplastic syndrome; Hereditary Cancer Syndrome. Identifiers: Orphanet 140162, MedGen C0027672, MeSH D009386, MONDO:0015356.

gnomAD v4.1: 3 of 1,600,254 alleles (0.00019%); highest among the groups gnomAD compares: South Asian, 0.0022%; no homozygotes.

Submission:

Ambry Genetics
Classification: Uncertain significance for Cardiovascular phenotype; Hereditary cancer-predisposing syndrome. Last evaluated: 2025-06-16. Review status: criteria provided, single submitter. Criteria: Ambry Variant Classification Scheme 2023. Collection method: clinical testing. Allele origin: germline.
Comment: The p.T137A variant (also known as c.409A>G), located in coding exon 5 of the LZTR1 gene, results from an A to G substitution at nucleotide position 409. The threonine at codon 137 is replaced by alanine, an amino acid with similar properties. This amino acid position is highly conserved in available vertebrate species. In addition, the in silico prediction for this alteration is inconclusive. Based on the available evidence, the clinical significance of this variant remains unclear.